The following is an entry in ClinVar:

ClinVar aggregate classification (germline): Pathogenic (1 of 4 stars; one submission).

Submission:

GeneDx
Classification: Pathogenic. Last evaluated: 2023-12-06. Review status: criteria provided, single submitter. Criteria: GeneDx Variant Classification Process June 2021. Collection method: clinical testing. Allele origin: germline. Affected: yes.
Comment: Published functional studies in xenopus oocytes demonstrate that this variant severely affects KCNQ channel function (PMID: 35857840); Not observed at significant frequency in large population cohorts (gnomAD); Missense variants in this gene are a common cause of disease and they are underrepresented in the general population; In silico analysis supports that this missense variant has a deleterious effect on protein structure/function; This substitution is predicted to be within the transmembrane segment S6; This variant is associated with the following publications: (PMID: 35857840, 35586607)

NM_172107.4(KCNQ2):c.908C>T (p.Ser303Phe)

Gene: KCNQ2 (potassium voltage-gated channel subfamily Q member 2; minus strand). Cytogenetic location: 20q13.33.
Variant type: single nucleotide variant.
Coding change: c.908C>T on transcript NM_172107.4 (MANE Select); coding-DNA position 908, C replaced by T.
Protein change: p.Ser303Phe; replaces serine 303 with phenylalanine.
Molecular consequence: missense variant.
Genome position (GRCh38, 1-based): chr20:63,439,617, G>A on the plus strand (C>T on the coding strand, the complement: KCNQ2 is on the minus strand). VCF-style: chr20-63439617-G-A. GRCh37 (hg19) VCF-style: chr20-62070970-G-A.
Other names: c.908C>T, p.Ser303Phe (NM_001382235.1, NM_004518.6, NM_172106.3 and 2 more transcripts); short protein forms S303F.
Identifiers: ClinVar variation 3343904 (VCV003343904.1).